The following is an entry in ClinVar:

ClinVar aggregate classification (germline): Pathogenic (1 of 4 stars; one submission).

Submission:

GeneDx
Classification: Pathogenic. Last evaluated: 2025-04-15. Review status: criteria provided, single submitter. Criteria: GeneDx Variant Classification Process June 2021. Collection method: clinical testing. Allele origin: germline. Affected: yes.
Comment: Frameshift variant predicted to result in protein truncation or nonsense mediated decay in a gene for which loss of function is a known mechanism of disease; Not observed at significant frequency in large population cohorts (gnomAD); Has not been previously published as pathogenic or benign to our knowledge

NM_000548.5(TSC2):c.4523_4524del (p.Pro1508fs)

Gene: TSC2 (TSC complex subunit 2; plus strand). Cytogenetic location: 16p13.3.
Variant type: Deletion.
Coding change: c.4523_4524del on transcript NM_000548.5 (MANE Select); coding-DNA positions 4523 to 4524, 2 bases deleted (CC; older notation c.4523_4524delCC).
Protein change: p.Pro1508fs; shifts the reading frame from proline 1508.
Molecular consequence: frameshift variant. On other transcripts: non-coding transcript variant (5).
Genome position (GRCh38, 1-based): chr16:2,084,980-2,084,981, CC deleted; deleting any 2 consecutive bases within chr16:2,084,977-2,084,981 gives the same sequence; the c. name uses the placement nearest the transcript's 3' end. VCF-style (leftmost placement, unchanged base first): chr16-2084976-TCC-T. GRCh37 (hg19) VCF-style: chr16-2134977-TCC-T.
Other names: c.4523_4524delCC, p.Pro1508Leufs (NM_000548.3); c.4322_4323del, p.Pro1441fs (NM_001077183.3); c.4454_4455del, p.Pro1485fs (NM_001114382.3); c.4214_4215del, p.Pro1405fs (NM_001318827.2); c.4178_4179del, p.Pro1393fs (NM_001318829.2); c.3791_3792del, p.Pro1264fs (NM_001318831.2); c.4355_4356del, p.Pro1452fs (NM_001318832.2); c.4325_4326del, p.Pro1442fs (NM_001363528.2); and 27 more; short protein forms P1016fs, P1017fs, P1037fs, P1241fs, P1242fs, P1264fs, P1284fs, P1285fs.
Identifiers: ClinVar variation 4282361 (VCV004282361.1).